The following is an entry in ClinVar:

NM_001371623.1(TCOF1):c.2348C>A (p.Thr783Asn)

Gene: TCOF1 (treacle ribosome biogenesis factor 1; plus strand). Cytogenetic location: 5q32.
Variant type: single nucleotide variant.
Coding change: c.2348C>A on transcript NM_001371623.1 (MANE Select); coding-DNA position 2348, C replaced by A.
Protein change: p.Thr783Asn; replaces threonine 783 with asparagine.
Molecular consequence: missense variant.
Genome position (GRCh38, 1-based): chr5:150,378,912, C>A. VCF-style: chr5-150378912-C-A. GRCh37 (hg19) VCF-style: chr5-149758475-C-A.
Other names: c.2117C>A, p.Thr706Asn (NM_000356.4, NM_001135245.2); c.2348C>A, p.Thr783Asn (NM_001008657.3, NM_001135243.2, NM_001135244.2 and 1 more transcripts); short protein forms T706N, T783N.
Identifiers: ClinVar variation 2147849 (VCV002147849.4), dbSNP rs1410160394, ClinGen allele CA361756988.

ClinVar aggregate classification (germline): Uncertain significance (1 of 4 stars; one submission).

Conditions:
Treacher Collins syndrome 1 (TCS1). Also called: TCOF1-Related Treacher Collins Syndrome. Identifiers: Orphanet 861, MedGen CN315775, MONDO:0007944, OMIM 154500.

gnomAD v4.1: 1 of 1,614,086 alleles (0.000062%); no homozygotes.

Submission:

Labcorp Genetics (formerly Invitae), Labcorp
Classification: Uncertain significance for Treacher Collins syndrome 1. Last evaluated: 2022-06-03. Review status: criteria provided, single submitter. Criteria: Invitae Variant Classification Sherloc (09022015). Collection method: clinical testing. Allele origin: germline.
Comment: This variant is not present in population databases (gnomAD no frequency). In summary, the available evidence is currently insufficient to determine the role of this variant in disease. Therefore, it has been classified as a Variant of Uncertain Significance. Algorithms developed to predict the effect of missense changes on protein structure and function are either unavailable or do not agree on the potential impact of this missense change (SIFT: "Tolerated"; PolyPhen-2: "Possibly Damaging"; Align-GVGD: "Class C0"). This variant has not been reported in the literature in individuals affected with TCOF1-related conditions. This sequence change replaces threonine, which is neutral and polar, with asparagine, which is neutral and polar, at codon 783 of the TCOF1 protein (p.Thr783Asn).